The following is an entry in ClinVar:

ClinVar aggregate classification (germline): Uncertain significance (1 of 4 stars; one submission).

gnomAD v4.1: 2 of 1,613,882 alleles (0.00012%); highest among the groups gnomAD compares: African/African-American, 0.0027%; no homozygotes.

Submission:

Labcorp Genetics (formerly Invitae), Labcorp
Classification: Uncertain significance. Last evaluated: 2025-07-27. Review status: criteria provided, single submitter. Criteria: Invitae Variant Classification Sherloc (09022015). Collection method: clinical testing. Allele origin: germline.
Comment: This sequence change replaces histidine, which is basic and polar, with asparagine, which is neutral and polar, at codon 307 of the TBX20 protein (p.His307Asn). This variant is present in population databases (no rsID available, gnomAD 0.008%). This variant has not been reported in the literature in individuals affected with TBX20-related conditions. ClinVar contains an entry for this variant (Variation ID: 3712603). Invitae Evidence Modeling of protein sequence and biophysical properties (such as structural, functional, and spatial information, amino acid conservation, physicochemical variation, residue mobility, and thermodynamic stability) indicates that this missense variant is not expected to disrupt TBX20 protein function with a negative predictive value of 80%. In summary, the available evidence is currently insufficient to determine the role of this variant in disease. Therefore, it has been classified as a Variant of Uncertain Significance.

NM_001077653.2(TBX20):c.919C>A (p.His307Asn)

Gene: TBX20 (T-box transcription factor 20; minus strand). Cytogenetic location: 7p14.2.
Variant type: single nucleotide variant.
Coding change: c.919C>A on transcript NM_001077653.2 (MANE Select); coding-DNA position 919, C replaced by A.
Protein change: p.His307Asn; replaces histidine 307 with asparagine.
Molecular consequence: missense variant.
Genome position (GRCh38, 1-based): chr7:35,204,554, G>T on the plus strand (C>A on the coding strand, the complement: TBX20 is on the minus strand). VCF-style: chr7-35204554-G-T. GRCh37 (hg19) VCF-style: chr7-35244166-G-T.
Other names: short protein forms H307N.
Identifiers: ClinVar variation 3712603 (VCV003712603.2).